The following is an entry in ClinVar:

ClinVar aggregate classification (germline): Uncertain significance (1 of 4 stars; one submission).

Submission:

Labcorp Genetics (formerly Invitae), Labcorp
Classification: Uncertain significance. Last evaluated: 2024-07-23. Review status: criteria provided, single submitter. Criteria: Invitae Variant Classification Sherloc (09022015). Collection method: clinical testing. Allele origin: germline.
Comment: This sequence change replaces proline, which is neutral and non-polar, with serine, which is neutral and polar, at codon 144 of the CDH2 protein (p.Pro144Ser). This variant is not present in population databases (gnomAD no frequency). This variant has not been reported in the literature in individuals affected with CDH2-related conditions. An algorithm developed to predict the effect of missense changes on protein structure and function (PolyPhen-2) suggests that this variant is likely to be tolerated. In summary, the available evidence is currently insufficient to determine the role of this variant in disease. Therefore, it has been classified as a Variant of Uncertain Significance.

NM_001792.5(CDH2):c.430C>T (p.Pro144Ser)

Gene: CDH2 (cadherin 2; minus strand). Cytogenetic location: 18q12.1.
Variant type: single nucleotide variant.
Coding change: c.430C>T on transcript NM_001792.5 (MANE Select); coding-DNA position 430, C replaced by T.
Protein change: p.Pro144Ser; replaces proline 144 with serine.
Molecular consequence: missense variant.
Genome position (GRCh38, 1-based): chr18:28,011,962, G>A on the plus strand (C>T on the coding strand, the complement: CDH2 is on the minus strand). VCF-style: chr18-28011962-G-A. GRCh37 (hg19) VCF-style: chr18-25591926-G-A.
Other names: c.337C>T, p.Pro113Ser (NM_001308176.2); short protein forms P144S, P113S.
Identifiers: ClinVar variation 3660307 (VCV003660307.2).